The following is an entry in ClinVar:

NM_001369.3(DNAH5):c.991G>T (p.Asp331Tyr)

Gene: DNAH5 (dynein axonemal heavy chain 5; minus strand). Cytogenetic location: 5p15.2.
Variant type: single nucleotide variant.
Coding change: c.991G>T on transcript NM_001369.3 (MANE Select); coding-DNA position 991, G replaced by T.
Protein change: p.Asp331Tyr; replaces aspartic acid 331 with tyrosine.
Molecular consequence: missense variant.
Genome position (GRCh38, 1-based): chr5:13,917,241, C>A on the plus strand (G>T on the coding strand, the complement: DNAH5 is on the minus strand). VCF-style: chr5-13917241-C-A. GRCh37 (hg19) VCF-style: chr5-13917350-C-A.
Other names: short protein forms D331Y.
Identifiers: ClinVar variation 1768615 (VCV001768615.2), dbSNP rs950364119, ClinGen allele CA113961710.

ClinVar aggregate classification (germline): Uncertain significance (1 of 4 stars; one submission).

Conditions:
Primary ciliary dyskinesia. Also called: Ciliary dyskinesia. Identifiers: Orphanet 244, MedGen C0008780, MONDO:0016575, HP:0012265.

Allele frequency attached by ClinVar (database versions not stated): gnomAD 0.00001; TOPMed 0.00001.
gnomAD v4.1: 20 of 1,613,586 alleles (0.0012%); highest among the groups gnomAD compares: Admixed American, 0.0017%; no homozygotes.

Submission:

Ambry Genetics
Classification: Uncertain significance for Primary ciliary dyskinesia. Last evaluated: 2021-06-30. Review status: criteria provided, single submitter. Criteria: Ambry Variant Classification Scheme 2023. Collection method: clinical testing. Allele origin: germline.
Comment: The p.D331Y variant (also known as c.991G>T), located in coding exon 8 of the DNAH5 gene, results from a G to T substitution at nucleotide position 991. The aspartic acid at codon 331 is replaced by tyrosine, an amino acid with highly dissimilar properties. This amino acid position is conserved. In addition, this alteration is predicted to be deleterious by in silico analysis. Since supporting evidence is limited at this time, the clinical significance of this alteration remains unclear.